The following is an entry in ClinVar:

NM_138413.4(HOGA1):c.700+15G>T

Gene: HOGA1 (4-hydroxy-2-oxoglutarate aldolase 1; plus strand). Cytogenetic location: 10q24.2.
Variant type: single nucleotide variant.
Coding change: c.700+15G>T on transcript NM_138413.4 (MANE Select); 15 bases into the intron after coding-DNA position 700, G replaced by T.
Molecular consequence: intron variant.
Genome position (GRCh38, 1-based): chr10:97,600,178, G>T. VCF-style: chr10-97600178-G-T. GRCh37 (hg19) VCF-style: chr10-99359935-G-T.
Other names: c.212-1679G>T (NM_001134670.2).
Identifiers: ClinVar variation 2192715 (VCV002192715.1), dbSNP rs753833846, ClinGen allele CA5634200.

ClinVar aggregate classification (germline): Uncertain significance (1 of 4 stars; one submission).

Allele frequency attached by ClinVar (database versions not stated): ExAC 0.00001.
gnomAD v4.1: 3 of 1,606,862 alleles (0.00019%); highest among the groups gnomAD compares: East Asian, 0.0022%; no homozygotes.

Submission:

Labcorp Genetics (formerly Invitae), Labcorp
Classification: Uncertain significance. Last evaluated: 2022-03-06. Review status: criteria provided, single submitter. Criteria: Invitae Variant Classification Sherloc (09022015). Collection method: clinical testing. Allele origin: germline.
Comment: This sequence change falls in intron 5 of the HOGA1 gene. It does not directly change the encoded amino acid sequence of the HOGA1 protein. This variant is present in population databases (rs753833846, gnomAD no frequency). This variant has not been reported in the literature in individuals affected with HOGA1-related conditions. Algorithms developed to predict the effect of sequence changes on RNA splicing suggest that this variant may create or strengthen a splice site. In summary, the available evidence is currently insufficient to determine the role of this variant in disease. Therefore, it has been classified as a Variant of Uncertain Significance.